The following is an entry in ClinVar:

ClinVar aggregate classification (germline): Uncertain significance. Review status: criteria provided, multiple submitters, no conflicts (2 of 4 stars). 2 submissions from 2 submitters: Uncertain significance (2). Last evaluated 2021-08-24.

Conditions:
Combined immunodeficiency due to DOCK8 deficiency (HIES2). Also called: HIES autosomal recessive; Hyper-IgE recurrent infection syndrome, autosomal recessive; DOCK8 Deficiency; HYPER-IgE RECURRENT INFECTION SYNDROME 2, AUTOSOMAL RECESSIVE; HYPER-IgE SYNDROME 2, AUTOSOMAL RECESSIVE, WITH RECURRENT INFECTIONS. Identifiers: Orphanet 217390, MedGen C4722305, MONDO:0009478, OMIM 243700.

Allele frequency attached by ClinVar (database versions not stated): TOPMed 0.00001; gnomAD 0.00003; gnomAD exomes 0.00010 and 0.00014; ExAC 0.00015.
gnomAD v4.1: 151 of 1,613,688 alleles (0.0094%); highest among the groups gnomAD compares: East Asian, 0.33%; no homozygotes.

Submissions (2):

Labcorp Genetics (formerly Invitae), Labcorp
Classification: Uncertain significance for Combined immunodeficiency due to DOCK8 deficiency. Last evaluated: 2021-08-24. Review status: criteria provided, single submitter. Criteria: Invitae Variant Classification Sherloc (09022015). Collection method: clinical testing. Allele origin: germline.
Comment: This sequence change replaces proline with threonine at codon 255 of the DOCK8 protein (p.Pro255Thr). The proline residue is moderately conserved and there is a small physicochemical difference between proline and threonine. This variant is present in population databases (rs754843805, ExAC 0.2%). This variant has not been reported in the literature in individuals affected with DOCK8-related conditions. Algorithms developed to predict the effect of missense changes on protein structure and function are either unavailable or do not agree on the potential impact of this missense change (SIFT: "Tolerated"; PolyPhen-2: "Probably Damaging"; Align-GVGD: "Class C0"). In summary, the available evidence is currently insufficient to determine the role of this variant in disease. Therefore, it has been classified as a Variant of Uncertain Significance.

Genetic Services Laboratory, University of Chicago
Classification: Uncertain significance. Last evaluated: 2019-04-12. Review status: criteria provided, single submitter. Criteria: ACMG Guidelines, 2015. Collection method: clinical testing. Allele origin: germline. Affected: no.

NM_203447.4(DOCK8):c.763C>A (p.Pro255Thr)

Gene: DOCK8 (dedicator of cytokinesis 8; plus strand). Cytogenetic location: 9p24.3.
Variant type: single nucleotide variant.
Coding change: c.763C>A on transcript NM_203447.4 (MANE Select); coding-DNA position 763, C replaced by A.
Protein change: p.Pro255Thr; replaces proline 255 with threonine.
Molecular consequence: missense variant.
Genome position (GRCh38, 1-based): chr9:317,064, C>A. VCF-style: chr9-317064-C-A. GRCh37 (hg19) VCF-style: chr9-317064-C-A.
Other names: c.559C>A, p.Pro187Thr (NM_001190458.2, NM_001193536.2); short protein forms P187T, P255T.
Identifiers: ClinVar variation 1337133 (VCV001337133.8), dbSNP rs754843805, ClinGen allele CA4957447.